The following is an entry in ClinVar:

NM_001278716.2(FBXL4):c.1699T>C (p.Leu567=)

Gene: FBXL4 (F-box and leucine rich repeat protein 4; minus strand). Cytogenetic location: 6q16.1.
Variant type: single nucleotide variant.
Coding change: c.1699T>C on transcript NM_001278716.2 (MANE Select); coding-DNA position 1699, T replaced by C.
Protein change: p.Leu567=; no amino-acid change (leucine 567 retained).
Molecular consequence: synonymous variant. On other transcripts: non-coding transcript variant (1).
Genome position (GRCh38, 1-based): chr6:98,875,418, A>G on the plus strand (T>C on the coding strand, the complement: FBXL4 is on the minus strand). VCF-style: chr6-98875418-A-G. GRCh37 (hg19) VCF-style: chr6-99323294-A-G.
Other names: c.1699T>C, p.Leu567= (NM_012160.5).
Identifiers: ClinVar variation 437789 (VCV000437789.11), dbSNP rs183776114, ClinGen allele CA3933403.

ClinVar aggregate classification (germline): Conflicting classifications of pathogenicity. Review status: criteria provided, conflicting classifications (1 of 4 stars). 3 submissions from 3 submitters: Uncertain significance (1); Likely benign (2). Last evaluated 2026-04-01.

Conditions:
Mitochondrial DNA depletion syndrome 13. Also called: FBXL4-Related Encephalomyopathic Mitochondrial DNA Depletion Syndrome; Mitochondrial DNA depletion syndrome 13 (encephalomyopathic type). Identifiers: Orphanet 369897, MedGen C3809592, MONDO:0014198, OMIM 615471.

Allele frequency attached by ClinVar (database versions not stated): TOPMed 0.00004; ExAC 0.00005; 1000 Genomes Project 0.00020; 1000 Genomes Project 30x 0.00031.
gnomAD v4.1: 50 of 1,613,682 alleles (0.0031%); highest among the groups gnomAD compares: South Asian, 0.031%; no homozygotes.

Submissions (3):

CeGaT Center for Human Genetics Tuebingen
Classification: Likely benign. Last evaluated: 2026-04-01. Review status: criteria provided, single submitter. Criteria: CeGaT Center For Human Genetics Tuebingen Variant Classification Criteria Version 2. Collection method: clinical testing. Allele origin: germline. Affected: yes. Observed: 1 variant allele.
Comment: FBXL4: BP4, BP7

Labcorp Genetics (formerly Invitae), Labcorp
Classification: Likely benign. Last evaluated: 2024-11-23. Review status: criteria provided, single submitter. Criteria: Invitae Variant Classification Sherloc (09022015). Collection method: clinical testing. Allele origin: germline.

Wong Mito Lab, Molecular and Human Genetics, Baylor College of Medicine
Classification: Uncertain significance for Mitochondrial DNA depletion syndrome 13. Last evaluated: 2017-08-10. Review status: criteria provided, single submitter. Criteria: ACMG Guidelines, 2015. Collection method: reference population. Allele origin: germline.
Comment: The NM_012160.4:c.1699T>C (NP_036292.2:p.Leu567=) [GRCH38: NC_000006.12:g.98875418A>G] variant in FBXL4 gene is interpretated to be a Uncertain Significance - Conflicting Evidence based on ACMG guidelines (PMID: 25741868). This variant meets one or more of the following evidence codes reported in the ACMG-guideline. PM2:This variant is absent in key population databases. BP4:Computational evidence/predictors indicate no impact on the FBXL4 structure, function, or protein-protein interaction. BP7:The variant is silent with non predicted splice impact. Based on this evidence code ClinGen Pathogenicity Calculator (PMID:28081714) suggested that the variant is Uncertain Significance - Conflicting Evidence.